The following is an entry in ClinVar:

NM_000452.3(SLC10A2):c.586-3C>T

Gene: SLC10A2 (solute carrier family 10 member 2; minus strand). Cytogenetic location: 13q33.1.
Variant type: single nucleotide variant.
Coding change: c.586-3C>T on transcript NM_000452.3 (MANE Select); 3 bases into the intron before coding-DNA position 586, C replaced by T.
Molecular consequence: intron variant.
Genome position (GRCh38, 1-based): chr13:103,051,435, G>A on the plus strand (C>T on the coding strand, the complement: SLC10A2 is on the minus strand). VCF-style: chr13-103051435-G-A. GRCh37 (hg19) VCF-style: chr13-103703785-G-A.
Identifiers: ClinVar variation 4987881 (VCV004987881.1).

ClinVar aggregate classification (germline): Likely benign (1 of 4 stars; one submission).

Conditions:
SLC10A2-related disorder. Also called: SLC10A2-related condition.

Submission:

PreventionGenetics, part of Exact Sciences
Classification: Likely benign for SLC10A2-related condition. Last evaluated: 2026-03-25. Review status: criteria provided, single submitter. Criteria: ACMG Guidelines, 2015. Collection method: clinical testing. Allele origin: germline.
Comment: This variant is classified as likely benign based on ACMG/AMP sequence variant interpretation guidelines (Richards et al. 2015 PMID: 25741868, with internal and published modifications).